The following is an entry in ClinVar:

ClinVar aggregate classification (germline): Uncertain significance. Review status: criteria provided, multiple submitters, no conflicts (2 of 4 stars). 3 submissions from 3 submitters: Uncertain significance (3). Last evaluated 2025-08-27.

Allele frequency attached by ClinVar (database versions not stated): gnomAD 0.00003; TOPMed 0.00003; ExAC 0.00010.
gnomAD v4.1: 74 of 1,591,114 alleles (0.0047%); highest among the groups gnomAD compares: South Asian, 0.031%; no homozygotes.

Submissions (3):

Ambry Genetics
Classification: Uncertain significance. Last evaluated: 2025-08-27. Review status: criteria provided, single submitter. Criteria: Ambry Variant Classification Scheme 2023. Collection method: clinical testing. Allele origin: germline.

Labcorp Genetics (formerly Invitae), Labcorp
Classification: Uncertain significance. Last evaluated: 2025-07-27. Review status: criteria provided, single submitter. Criteria: Invitae Variant Classification Sherloc (09022015). Collection method: clinical testing. Allele origin: germline.
Comment: This sequence change replaces arginine, which is basic and polar, with glutamine, which is neutral and polar, at codon 766 of the MAGI2 protein (p.Arg766Gln). This variant is present in population databases (rs746033133, gnomAD 0.03%). This variant has not been reported in the literature in individuals affected with MAGI2-related conditions. ClinVar contains an entry for this variant (Variation ID: 2460739). An algorithm developed to predict the effect of missense changes on protein structure and function (PolyPhen-2) suggests that this variant is likely to be tolerated. Algorithms developed to predict the effect of sequence changes on RNA splicing suggest that this variant may disrupt the consensus splice site. In summary, the available evidence is currently insufficient to determine the role of this variant in disease. Therefore, it has been classified as a Variant of Uncertain Significance.

Blueprint Genetics
Classification: Uncertain significance. Last evaluated: 2024-11-04. Review status: criteria provided, single submitter. Criteria: ACMG Guidelines, 2015. Collection method: clinical testing. Allele origin: germline.

NM_012301.4(MAGI2):c.2297G>A (p.Arg766Gln)

Gene: MAGI2 (membrane associated guanylate kinase, WW and PDZ domain containing 2; minus strand). Cytogenetic location: 7q21.11.
Variant type: single nucleotide variant.
Coding change: c.2297G>A on transcript NM_012301.4 (MANE Select); coding-DNA position 2297, G replaced by A.
Protein change: p.Arg766Gln; replaces arginine 766 with glutamine.
Molecular consequence: missense variant. On other transcripts: intron variant (1).
Genome position (GRCh38, 1-based): chr7:78,185,643, C>T on the plus strand (G>A on the coding strand, the complement: MAGI2 is on the minus strand). VCF-style: chr7-78185643-C-T. GRCh37 (hg19) VCF-style: chr7-77814960-C-T.
Other names: c.2270-7541G>A (NM_001301128.2); short protein forms R766Q.
Identifiers: ClinVar variation 2460739 (VCV002460739.5), dbSNP rs746033133, ClinGen allele CA4313824.